The following is an entry in ClinVar:

NM_181523.3(PIK3R1):c.1273C>A (p.Leu425Ile)

Gene: PIK3R1 (phosphoinositide-3-kinase regulatory subunit 1; plus strand). Cytogenetic location: 5q13.1.
Variant type: single nucleotide variant.
Coding change: c.1273C>A on transcript NM_181523.3 (MANE Select); coding-DNA position 1273, C replaced by A.
Protein change: p.Leu425Ile; replaces leucine 425 with isoleucine.
Molecular consequence: missense variant.
Genome position (GRCh38, 1-based): chr5:68,293,457, C>A. VCF-style: chr5-68293457-C-A. GRCh37 (hg19) VCF-style: chr5-67589285-C-A.
Other names: c.184C>A, p.Leu62Ile (NM_001242466.2); c.463C>A, p.Leu155Ile (NM_181504.4); c.373C>A, p.Leu125Ile (NM_181524.2); short protein forms L155I, L62I, L125I, L425I.
Identifiers: ClinVar variation 1469938 (VCV001469938.8), dbSNP rs1001616209, ClinGen allele CA119905559.
Genomic context (GRCh38, chr5:68,293,457, plus strand): 5'-ATAAACCACTACCGGAATGAATCTCTAGCTCAGTATAATCCCAAATTGGATGTGAAATTA[C>A]TTTATCCAGTATCCAAATACCAACAGGTAATAAAAACTGAATGAATTATCCAGTTACGAT-3'
Protein context (NP_852664.1, residues 415-435): QYNPKLDVKL[Leu425Ile]YPVSKYQQDQ

ClinVar aggregate classification (germline): Uncertain significance (1 of 4 stars; one submission).

Conditions:
Immunodeficiency 36 with lymphoproliferation. Also called: ACTIVATED PI3K-DELTA SYNDROME 2; Immunodeficiency 36; Activated PI3K Delta Syndrome Type 2 (APDS2). Identifiers: Orphanet 397596, Orphanet 693681, MedGen C4014934, MONDO:0014453, OMIM 616005.
SHORT syndrome. Also called: LIPODYSTROPHY, PARTIAL, WITH RIEGER ANOMALY AND SHORT STATURE; PIK3R1-Related SHORT Syndrome; SHORT STATURE, HYPEREXTENSIBILITY, HERNIA, OCULAR DEPRESSION, RIEGER ANOMALY, AND TEETHING DELAY. Identifiers: Orphanet 3163, MedGen C0878684, MONDO:0010026, OMIM 269880.
Agammaglobulinemia 7, autosomal recessive (AGM7). Also called: AGAMMAGLOBULINEMIA, AUTOSOMAL RECESSIVE, DUE TO PIK3R1 DEFECT. Identifiers: MedGen C3554689, MONDO:0014083, OMIM 615214.

Allele frequency attached by ClinVar (database versions not stated): gnomAD exomes below 0.00001.
gnomAD v4.1: 2 of 1,611,666 alleles (0.00012%); highest among the groups gnomAD compares: African/African-American, 0.0027%; no homozygotes.

Submission:

Labcorp Genetics (formerly Invitae), Labcorp
Classification: Uncertain significance for SHORT syndrome; Immunodeficiency 36 with lymphoproliferation; Agammaglobulinemia 7, autosomal recessive. Last evaluated: 2021-05-09. Review status: criteria provided, single submitter. Criteria: Invitae Variant Classification Sherloc (09022015). Collection method: clinical testing. Allele origin: germline.
Comment: In summary, the available evidence is currently insufficient to determine the role of this variant in disease. Therefore, it has been classified as a Variant of Uncertain Significance. Algorithms developed to predict the effect of missense changes on protein structure and function are either unavailable or do not agree on the potential impact of this missense change (SIFT: "Tolerated"; PolyPhen-2: "Possibly Damaging"; Align-GVGD: "Class C0"). This variant has not been reported in the literature in individuals with PIK3R1-related conditions. This variant is not present in population databases (ExAC no frequency). This sequence change replaces leucine with isoleucine at codon 425 of the PIK3R1 protein (p.Leu425Ile). The leucine residue is highly conserved and there is a small physicochemical difference between leucine and isoleucine.